The following is an entry in ClinVar:

ClinVar aggregate classification (germline): Likely pathogenic (1 of 4 stars; one submission).

Conditions:
Ehlers-Danlos syndrome, type 4 (EDSVASC). Also called: Ehlers-Danlos Syndrome Type IV; Ehlers-Danlos syndrome vascular type; Ehlers Danlos syndrome, ecchymotic type; Ehlers Danlos syndrome, arterial type; Ehlers Danlos syndrome, Sack-Barabas type. Identifiers: Orphanet 286, MedGen C0268338, MONDO:0017314, OMIM 130050.

Submission:

Labcorp Genetics (formerly Invitae), Labcorp
Classification: Likely pathogenic for Ehlers-Danlos syndrome, type 4. Last evaluated: 2024-04-05. Review status: criteria provided, single submitter. Criteria: Invitae Variant Classification Sherloc (09022015). Collection method: clinical testing. Allele origin: germline.
Comment: This sequence change replaces glycine, which is neutral and non-polar, with arginine, which is basic and polar, at codon 756 of the COL3A1 protein (p.Gly756Arg). This variant is not present in population databases (gnomAD no frequency). This missense change has been observed in individual(s) with COL3A1-related conditions (Invitae). Advanced modeling of protein sequence and biophysical properties (such as structural, functional, and spatial information, amino acid conservation, physicochemical variation, residue mobility, and thermodynamic stability) performed at Invitae indicates that this missense variant is expected to disrupt COL3A1 protein function with a positive predictive value of 95%. This variant disrupts the triple helix domain of COL3A1. Glycine residues within the Gly-Xaa-Yaa repeats of the triple helix domain are required for the structure and stability of fibrillar collagens (PMID: 7695699, 8218237, 19344236). In COL3A1, variants that affect these glycine residues are significantly enriched in individuals with disease (PMID: 24922459, 25758994) compared to the general population (ExAC). This variant disrupts the p.Gly756 amino acid residue in COL3A1. Other variant(s) that disrupt this residue have been observed in individuals with COL3A1-related conditions (PMID: 7912131, 31447099), which suggests that this may be a clinically significant amino acid residue. In summary, the currently available evidence indicates that the variant is pathogenic, but additional data are needed to prove that conclusively. Therefore, this variant has been classified as Likely Pathogenic.

Literature cited by the submitters: PubMed 7695699; PubMed 8218237; PubMed 19344236; PubMed 24922459; PubMed 25758994; PubMed 7912131; PubMed 31447099.

NM_000090.4(COL3A1):c.2266G>A (p.Gly756Arg)

Gene: COL3A1 (collagen type III alpha 1 chain; plus strand). Cytogenetic location: 2q32.2.
Variant type: single nucleotide variant.
Coding change: c.2266G>A on transcript NM_000090.4 (MANE Select); coding-DNA position 2266, G replaced by A.
Protein change: p.Gly756Arg; replaces glycine 756 with arginine.
Molecular consequence: missense variant.
Genome position (GRCh38, 1-based): chr2:188,999,878, G>A. VCF-style: chr2-188999878-G-A. GRCh37 (hg19) VCF-style: chr2-189864604-G-A.
Other names: short protein forms G756R.
Identifiers: ClinVar variation 2760806 (VCV002760806.3), dbSNP rs1193008774, ClinGen allele CA349841176.